The following is an entry in ClinVar:

NM_198075.4(LRRC56):c.780C>T (p.Asn260=)

Gene: LRRC56 (leucine rich repeat containing 56; plus strand). Cytogenetic location: 11p15.5.
Variant type: single nucleotide variant.
Coding change: c.780C>T on transcript NM_198075.4 (MANE Select); coding-DNA position 780, C replaced by T.
Protein change: p.Asn260=; no amino-acid change (asparagine 260 retained).
Molecular consequence: synonymous variant.
Genome position (GRCh38, 1-based): chr11:551,286, C>T. VCF-style: chr11-551286-C-T. GRCh37 (hg19) VCF-style: chr11-551286-C-T.
Other names: c.780C>T (NM_198075.3).
Identifiers: ClinVar variation 1963048 (VCV001963048.6), dbSNP rs372968457, ClinGen allele CA5779813.

ClinVar aggregate classification (germline): Likely benign. Review status: criteria provided, multiple submitters, no conflicts (2 of 4 stars). 2 submissions from 2 submitters: Likely benign (2). Last evaluated 2026-01-24.

Conditions:
LRRC56-related disorder. Also called: LRRC56-related condition.

Allele frequency attached by ClinVar (database versions not stated): gnomAD 0.00005; ExAC 0.00007; ESP Exome Variant Server 0.00008; TOPMed 0.00010; 1000 Genomes Project 30x 0.00016; gnomAD exomes 0.00021.

Submissions (2):

Labcorp Genetics (formerly Invitae), Labcorp
Classification: Likely benign. Last evaluated: 2026-01-24. Review status: criteria provided, single submitter. Criteria: Invitae Variant Classification Sherloc (09022015). Collection method: clinical testing. Allele origin: germline.

PreventionGenetics, part of Exact Sciences
Classification: Likely benign for LRRC56-related condition. Last evaluated: 2025-10-21. Review status: criteria provided, single submitter. Criteria: ACMG Guidelines, 2015. Collection method: clinical testing. Allele origin: germline.
Comment: This variant is classified as likely benign based on ACMG/AMP sequence variant interpretation guidelines (Richards et al. 2015 PMID: 25741868, with internal and published modifications).